The following is an entry in ClinVar:

NM_002860.4(ALDH18A1):c.1253T>A (p.Leu418His)

Gene: ALDH18A1 (aldehyde dehydrogenase 18 family member A1; minus strand). Cytogenetic location: 10q24.1.
Variant type: single nucleotide variant.
Coding change: c.1253T>A on transcript NM_002860.4 (MANE Select); coding-DNA position 1253, T replaced by A.
Protein change: p.Leu418His; replaces leucine 418 with histidine.
Molecular consequence: missense variant.
Genome position (GRCh38, 1-based): chr10:95,621,245, A>T on the plus strand (T>A on the coding strand, the complement: ALDH18A1 is on the minus strand). VCF-style: chr10-95621245-A-T. GRCh37 (hg19) VCF-style: chr10-97381002-A-T.
Other names: c.1247T>A, p.Leu416His (NM_001017423.2, NM_001323415.2); c.920T>A, p.Leu307His (NM_001323412.2, NM_001323416.2); c.1253T>A, p.Leu418His (NM_001323413.2, NM_001323414.2); c.1148T>A, p.Leu383His (NM_001323417.2); c.914T>A, p.Leu305His (NM_001323418.2); c.617T>A, p.Leu206His (NM_001323419.2); short protein forms L416H, L418H, L383H, L305H, L206H, L307H.
Identifiers: ClinVar variation 706650 (VCV000706650.13), dbSNP rs201069261, ClinGen allele CA5620367.

ClinVar aggregate classification (germline): Conflicting classifications of pathogenicity. Review status: criteria provided, conflicting classifications (1 of 4 stars). 3 submissions from 3 submitters: Uncertain significance (1); Likely benign (2). Last evaluated 2024-10-04.

Conditions:
Cutis laxa, autosomal dominant 3 (ADCL3). Identifiers: Orphanet 90348, MedGen C4225268, MONDO:0014706, OMIM 616603.
Autosomal dominant spastic paraplegia type 9. Identifiers: MedGen C1832669, MONDO:0015091.
de Barsy syndrome. Also called: Cutis laxa-corneal clouding-oligophrenia syndrome. Identifiers: Orphanet 2962, MedGen C0268354, MONDO:0017569.

Allele frequency attached by ClinVar (database versions not stated): 1000 Genomes Project 30x 0.00016; 1000 Genomes Project 0.00020; gnomAD 0.00022; gnomAD exomes 0.00034; ExAC 0.00042.
gnomAD v4.1: 241 of 1,612,472 alleles (0.015%); highest among the groups gnomAD compares: Non-Finnish European, 0.001%; 2 homozygotes.

Submissions (3):

Blueprint Genetics
Classification: Likely benign. Last evaluated: 2024-10-04. Review status: criteria provided, single submitter. Criteria: ACMG Guidelines, 2015. Collection method: clinical testing. Allele origin: germline.

GeneDx
Classification: Uncertain significance. Last evaluated: 2024-08-13. Review status: criteria provided, single submitter. Criteria: GeneDx Variant Classification Process June 2021. Collection method: clinical testing. Allele origin: germline. Affected: yes.
Comment: In silico analysis supports that this missense variant has a deleterious effect on protein structure/function; Has not been previously published as pathogenic or benign to our knowledge

Labcorp Genetics (formerly Invitae), Labcorp
Classification: Likely benign for Autosomal dominant spastic paraplegia type 9; de Barsy syndrome; Cutis laxa, autosomal dominant 3. Last evaluated: 2022-11-08. Review status: criteria provided, single submitter. Criteria: Invitae Variant Classification Sherloc (09022015). Collection method: clinical testing. Allele origin: germline.